The following is an entry in ClinVar:

ClinVar aggregate classification (germline): Benign/Likely benign. Review status: criteria provided, single submitter (1 of 4 stars). 2 submissions from 1 submitter: Benign (1); Likely benign (1). Last evaluated 2018-01-13.

Conditions:
Susceptibility to mononeuropathy of the median nerve, mild. Also called: CARPAL TUNNEL SYNDROME, SUSCEPTIBILITY TO. Identifiers: MedGen C3150596, MONDO:0013237, OMIM 613353.
Charcot-Marie-Tooth disease type 4C (CMT4C). Also called: CHARCOT-MARIE-TOOTH DISEASE, DEMYELINATING, AUTOSOMAL RECESSIVE, TYPE 4C; CMT 4C; Charcot-Marie-Tooth Neuropathy Type 4C (CMT4C); CHARCOT-MARIE-TOOTH DISEASE, DEMYELINATING, TYPE 4C; SH3TC2-Related Hereditary Motor and Sensory Neuropathy. Identifiers: Orphanet 99949, MedGen C1866636, MONDO:0011113, OMIM 601596.

Allele frequency attached by ClinVar (database versions not stated): gnomAD 0.00299 and 0.00322; TOPMed 0.00305; 1000 Genomes Project 0.00399; 1000 Genomes Project 30x 0.00453.
gnomAD v4.1: 453 of 152,292 alleles (0.3%); highest among the groups gnomAD compares: African/African-American, 1%; 2 homozygotes.

Submissions (2):

Illumina Laboratory Services, Illumina
Classification: Likely benign for Charcot-Marie-Tooth disease type 4C. Last evaluated: 2018-01-13. Review status: criteria provided, single submitter. Criteria: ICSL Variant Classification Criteria 13 December 2019. Collection method: clinical testing. Allele origin: germline.
Comment: This variant was observed in the ICSL laboratory as part of a predisposition screen in an ostensibly healthy population. It had not been previously curated by ICSL or reported in the Human Gene Mutation Database (HGMD: prior to June 1st, 2018), and was therefore a candidate for classification through an automated scoring system. Utilizing variant allele frequency, disease prevalence and penetrance estimates, and inheritance mode, an automated score was calculated to assess if this variant is too frequent to cause the disease. Based on the score and internal cut-off values, a variant classified as likely benign is not then subjected to further curation. The score for this variant resulted in a classification of likely benign for this disease.

Illumina Laboratory Services, Illumina
Classification: Benign for Susceptibility to mononeuropathy of the median nerve, mild. Last evaluated: 2018-01-13. Review status: criteria provided, single submitter. Criteria: ICSL Variant Classification Criteria 13 December 2019. Collection method: clinical testing. Allele origin: germline.
Comment: This variant was observed in the ICSL laboratory as part of a predisposition screen in an ostensibly healthy population. It had not been previously curated by ICSL or reported in the Human Gene Mutation Database (HGMD: prior to June 1st, 2018), and was therefore a candidate for classification through an automated scoring system. Utilizing variant allele frequency, disease prevalence and penetrance estimates, and inheritance mode, an automated score was calculated to assess if this variant is too frequent to cause the disease. Based on the score and internal cut-off values, a variant classified as benign is not then subjected to further curation. The score for this variant resulted in a classification of benign for this disease.

NM_024577.4(SH3TC2):c.*6047T>A

Gene: SH3TC2 (SH3 domain and tetratricopeptide repeats 2; minus strand). Cytogenetic location: 5q32.
Variant type: single nucleotide variant.
Coding change: c.*6047T>A on transcript NM_024577.4 (MANE Select); 6047 bases downstream of the stop codon, T replaced by A.
Molecular consequence: 3 prime UTR variant.
Genome position (GRCh38, 1-based): chr5:148,998,664, A>T on the plus strand (T>A on the coding strand, the complement: SH3TC2 is on the minus strand). VCF-style: chr5-148998664-A-T. GRCh37 (hg19) VCF-style: chr5-148378227-A-T.
Identifiers: ClinVar variation 351798 (VCV000351798.5), dbSNP rs139490756, ClinGen allele CA10619531.
Genomic context (GRCh38, chr5:148,998,664, plus strand): 5'-CTCGCAGTCTGTACTGGGAAGCCAAGCCAAGCAGCCCCACTGTGCAGTCCTGGCCACGCA[A>T]GTTATTCTTGATCCTGCACCATGGCAGCTGGGGAGAATCCCCACCCCCTAAGCAGTCACT-3'